The following is an entry in ClinVar:

NM_001205293.3(CACNA1E):c.332A>G (p.His111Arg)

Gene: CACNA1E (calcium voltage-gated channel subunit alpha1 E; plus strand). Cytogenetic location: 1q25.3.
Variant type: single nucleotide variant.
Coding change: c.332A>G on transcript NM_001205293.3 (MANE Select); coding-DNA position 332, A replaced by G.
Protein change: p.His111Arg; replaces histidine 111 with arginine.
Molecular consequence: missense variant.
Genome position (GRCh38, 1-based): chr1:181,510,542, A>G. VCF-style: chr1-181510542-A-G. GRCh37 (hg19) VCF-style: chr1-181479678-A-G.
Other names: c.332A>G, p.His111Arg (NM_000721.4, NM_001205294.2); short protein forms H111R.
Identifiers: ClinVar variation 4799979 (VCV004799979.1).
Genomic context (GRCh38, chr1:181,510,542, plus strand): 5'-TTGAGTACATGATCCTGGCCACCATCATTGCCAACTGCATCGTCCTGGCCCTGGAGCAGC[A>G]TCTTCCTGAGGATGACAAGACCCCCATGTCCCGAAGACTGGTATGTGATTCCCCTCCTTC-3'
Protein context (NP_001192222.1, residues 101-121): ANCIVLALEQ[His111Arg]LPEDDKTPMS

ClinVar aggregate classification (germline): Uncertain significance (1 of 4 stars; one submission).

Submission:

Labcorp Genetics (formerly Invitae), Labcorp
Classification: Uncertain significance. Last evaluated: 2025-07-14. Review status: criteria provided, single submitter. Criteria: Invitae Variant Classification Sherloc (09022015). Collection method: clinical testing. Allele origin: germline.
Comment: This sequence change replaces histidine, which is basic and polar, with arginine, which is basic and polar, at codon 111 of the CACNA1E protein (p.His111Arg). This variant is not present in population databases (gnomAD no frequency). This variant has not been reported in the literature in individuals affected with CACNA1E-related conditions. Invitae Evidence Modeling of protein sequence and biophysical properties (such as structural, functional, and spatial information, amino acid conservation, physicochemical variation, residue mobility, and thermodynamic stability) has been performed for this missense variant. However, the output from this modeling did not meet the statistical confidence thresholds required to predict the impact of this variant on CACNA1E protein function. In summary, the available evidence is currently insufficient to determine the role of this variant in disease. Therefore, it has been classified as a Variant of Uncertain Significance.